The following is an entry in ClinVar:

NM_001267550.2(TTN):c.105737C>G (p.Ala35246Gly)

Genes: TTN (titin; minus strand), TTN-AS1 (TTN antisense RNA 1; plus strand), LOC129935183 (ATAC-STARR-seq lymphoblastoid active region 16808; plus strand). Cytogenetic location: 2q31.2.
Variant type: single nucleotide variant.
Coding change: c.105737C>G on transcript NM_001267550.2 (MANE Select); coding-DNA position 105737, C replaced by G.
Protein change: p.Ala35246Gly; replaces alanine 35246 with glycine.
Molecular consequence: missense variant.
Genome position (GRCh38, 1-based): chr2:178,530,878, G>C on the plus strand (C>G on the coding strand, the complement: TTN is on the minus strand). VCF-style: chr2-178530878-G-C. GRCh37 (hg19) VCF-style: chr2-179395605-G-C.
Other names: p.Ala33605Gly; c.100814C>G, p.Ala33605Gly (NM_001256850.1); c.78542C>G, p.Ala26181Gly (NM_003319.4); c.98033C>G, p.Ala32678Gly (NM_133378.4); c.78917C>G, p.Ala26306Gly (NM_133432.3); c.79118C>G, p.Ala26373Gly (NM_133437.4); short protein forms A32678G, A35246G, A33605G, A26373G, A26181G, A26306G.
Identifiers: ClinVar variation 262342 (VCV000262342.8), dbSNP rs370476812, ClinGen allele CA1985217.
Genomic context (GRCh38, chr2:178,530,878, plus strand): 5'-GGTGATACGGCTTTCGGGTGAGAAGGTTCTGGAGATTTCACTCGTTTTGGAGACTTAACT[G>C]CTTCTGGGGATTTCACCCGAGGCTCTGGGGATTTGACTCTTGGTGGTGATGTCACAGCCT-3'
Protein context (NP_001254479.2, residues 35236-35256): SPEPRVKSPE[Ala35246Gly]VKSPKRVKSP

ClinVar aggregate classification (germline): Conflicting classifications of pathogenicity. Review status: criteria provided, conflicting classifications (1 of 4 stars). 5 submissions from 5 submitters: Uncertain significance (3); Likely benign (2). Last evaluated 2024-02-26.

Conditions:
Dilated cardiomyopathy 1G (CMD1G). Identifiers: Orphanet 154, MedGen C1858763, MONDO:0011400, OMIM 604145.
Autosomal recessive limb-girdle muscular dystrophy type 2J (LGMDR10). Also called: Limb-girdle muscular dystrophy, type 2J; MUSCULAR DYSTROPHY, LIMB-GIRDLE, AUTOSOMAL RECESSIVE 10. Identifiers: Orphanet 140922, MedGen C1837342, MONDO:0012127, OMIM 608807.

Allele frequency attached by ClinVar (database versions not stated): gnomAD 0.00001; gnomAD exomes 0.00008; 1000 Genomes Project 30x 0.00016; TOPMed 0.00001; ExAC 0.00008; 1000 Genomes Project 0.00020.
gnomAD v4.1: 46 of 1,613,858 alleles (0.0029%); highest among the groups gnomAD compares: South Asian, 0.044%; 1 homozygote.

Submissions (5):

Mayo Clinic Laboratories, Mayo Clinic
Classification: Uncertain significance. Last evaluated: 2024-02-26. Review status: criteria provided, single submitter. Criteria: ACMG Guidelines, 2015. Collection method: clinical testing. Allele origin: germline. Observed: 1 variant allele.
Comment: BP4_strong

Revvity Omics, Revvity
Classification: Uncertain significance. Last evaluated: 2020-03-19. Review status: criteria provided, single submitter. Criteria: ACMG Guidelines, 2015. Collection method: clinical testing. Allele origin: germline.

GeneDx
Classification: Likely benign. Last evaluated: 2017-12-13. Review status: criteria provided, single submitter. Criteria: GeneDx Variant Classification (06012015). Collection method: clinical testing. Allele origin: germline. Affected: yes.
Comment: This variant is considered likely benign or benign based on one or more of the following criteria: it is a conservative change, it occurs at a poorly conserved position in the protein, it is predicted to be benign by multiple in silico algorithms, and/or has population frequency not consistent with disease.

Labcorp Genetics (formerly Invitae), Labcorp
Classification: Uncertain significance for Dilated cardiomyopathy 1G; Autosomal recessive limb-girdle muscular dystrophy type 2J. Last evaluated: 2017-05-24. Review status: criteria provided, single submitter. Criteria: Invitae Variant Classification Sherloc (09022015). Collection method: clinical testing. Allele origin: germline.

PreventionGenetics, part of Exact Sciences
Classification: Likely benign. Review status: criteria provided, single submitter. Criteria: ACMG Guidelines, 2015. Collection method: clinical testing. Allele origin: germline.